The following is an entry in ClinVar:

NM_007194.4(CHEK2):c.847-2A>C

Gene: CHEK2 (checkpoint kinase 2; minus strand). Cytogenetic location: 22q12.1.
Variant type: single nucleotide variant.
Coding change: c.847-2A>C on transcript NM_007194.4 (MANE Select); the canonical splice acceptor site of the intron before coding-DNA position 847, A replaced by C.
Molecular consequence: splice acceptor variant.
Genome position (GRCh38, 1-based): chr22:28,703,568, T>G on the plus strand (A>C on the coding strand, the complement: CHEK2 is on the minus strand). VCF-style: chr22-28703568-T-G. GRCh37 (hg19) VCF-style: chr22-29099556-T-G.
Other names: c.940-2A>C (NM_001438293.1, NM_001438295.1); c.976-2A>C (NM_001438294.1, NM_001005735.3); c.847-2A>C (NM_145862.3); c.184-2A>C (NM_001257387.3, NM_001437942.1); c.646-2A>C (NM_001349956.3).
Identifiers: ClinVar variation 2584307 (VCV002584307.3), dbSNP rs1601753141, ClinGen allele CA411101397.

ClinVar aggregate classification (germline): Likely pathogenic. Review status: criteria provided, multiple submitters, no conflicts (2 of 4 stars). 2 submissions from 2 submitters: Likely pathogenic (2). Last evaluated 2025-08-11.

Conditions:
Familial cancer of breast. Also called: BREAST CANCER, FAMILIAL; hereditary breast carcinoma; Hereditary breast cancer. Identifiers: Orphanet 227535, MedGen C0346153, MONDO:0016419, OMIM 114480. Disease mechanism: loss of function.

Submissions (2):

Labcorp Genetics (formerly Invitae), Labcorp
Classification: Likely pathogenic for Familial cancer of breast. Last evaluated: 2025-08-11. Review status: criteria provided, single submitter. Criteria: Invitae Variant Classification Sherloc (09022015). Collection method: clinical testing. Allele origin: germline.
Comment: This sequence change affects an acceptor splice site in intron 7 of the CHEK2 gene. RNA analysis indicates that disruption of this splice site induces altered splicing and may result in an absent or altered protein product. This variant is not present in population databases (gnomAD no frequency). This variant has not been reported in the literature in individuals affected with CHEK2-related conditions. ClinVar contains an entry for this variant (Variation ID: 2584307). Studies have shown that disruption of this splice site results in skipping of exon 8, and produces a non-functional protein and/or introduces a premature termination codon (internal data). In summary, the currently available evidence indicates that the variant is pathogenic, but additional data are needed to prove that conclusively. Therefore, this variant has been classified as Likely Pathogenic.

Myriad Genetics, Inc.
Classification: Likely pathogenic for Familial cancer of breast. Last evaluated: 2023-06-27. Review status: criteria provided, single submitter. Criteria: Myriad Autosomal Dominant, Autosomal Recessive and X-Linked Classification Criteria (2023). Collection method: clinical testing. Allele origin: unknown.
Comment: This variant is considered likely pathogenic. This variant occurs within a consensus splice junction and is predicted to result in abnormal mRNA splicing of either an out-of-frame exon or an in-frame exon necessary for protein stability and/or normal function.